The following is an entry in ClinVar:

ClinVar aggregate classification (germline): Uncertain significance (1 of 4 stars; one submission).

Submission:

GeneDx
Classification: Uncertain significance. Last evaluated: 2026-01-28. Review status: criteria provided, single submitter. Criteria: GeneDx Variant Classification Process June 2021. Collection method: clinical testing. Allele origin: germline.
Comment: Not observed at significant frequency in large population cohorts (gnomAD); In silico analysis suggests that this missense variant does not alter protein structure/function; Has not been previously published as pathogenic or benign to our knowledge

NM_004606.5(TAF1):c.348C>G (p.His116Gln)

Gene: TAF1 (TATA-box binding protein associated factor 1; plus strand). Cytogenetic location: Xq13.1.
Variant type: single nucleotide variant.
Coding change: c.348C>G on transcript NM_004606.5 (MANE Select); coding-DNA position 348, C replaced by G.
Protein change: p.His116Gln; replaces histidine 116 with glutamine.
Molecular consequence: missense variant. On other transcripts: non-coding transcript variant (9).
Genome position (GRCh38, 1-based): chrX:71,368,166, C>G. VCF-style: chrX-71368166-C-G. GRCh37 (hg19) VCF-style: chrX-70588016-C-G.
Other names: c.348C>G, p.His116Gln (NM_001286074.2, NM_001440852.1, NM_001440853.1 and 2 more transcripts); short protein forms H116Q.
Identifiers: ClinVar variation 4975827 (VCV004975827.1).